The following is an entry in ClinVar:

ClinVar aggregate classification (germline): Likely benign (1 of 4 stars; one submission).

Conditions:
Malignant hyperthermia, susceptibility to, 1 (MHS1). Also called: Anesthesia related hyperthermia; Malignant hyperpyrexia; Fulminating hyperpyrexia; Pharmacogenic myopathy; RYR1-Related Malignant Hyperthermia Susceptibility; Malignant hyperthermia suceptibility 1. Identifiers: Orphanet 423, MedGen C2930980, MONDO:0007783, OMIM 145600.

gnomAD v4.1: 2 of 1,613,956 alleles (0.00012%); highest among the groups gnomAD compares: African/African-American, 0.0027%; no homozygotes.

Submission:

All of Us Research Program, National Institutes of Health
Classification: Likely benign for Malignant hyperthermia, susceptibility to, 1. Last evaluated: 2023-07-22. Review status: criteria provided, single submitter. Criteria: ACMG Guidelines, 2015. Collection method: clinical testing. Allele origin: germline. Inheritance: Autosomal dominant inheritance. Observed: 1 variant allele, 1 heterozygote.
Comment: This study involves interpretation of variants in research participants for the purpose of population health screening. Participant phenotype was not available at the time of variant classification. Additional details can be found in publication PMID: 35346344, PMCID: PMC8962531

NM_000540.3(RYR1):c.14919G>T (p.Pro4973=)

Gene: RYR1 (ryanodine receptor 1; plus strand). Cytogenetic location: 19q13.2.
Variant type: single nucleotide variant.
Coding change: c.14919G>T on transcript NM_000540.3 (MANE Select); coding-DNA position 14919, G replaced by T.
Protein change: p.Pro4973=; no amino-acid change (proline 4973 retained).
Molecular consequence: synonymous variant.
Genome position (GRCh38, 1-based): chr19:38,586,141, G>T. VCF-style: chr19-38586141-G-T. GRCh37 (hg19) VCF-style: chr19-39076781-G-T.
Other names: c.14904G>T, p.Pro4968= (NM_001042723.2).
Identifiers: ClinVar variation 3072511 (VCV003072511.1), dbSNP rs535386378, ClinGen allele CA507246638.